The following is an entry in ClinVar:

NM_001035.3(RYR2):c.4010A>G (p.Tyr1337Cys)

Genes: RYR2 (ryanodine receptor 2; plus strand), LOC126806067 (BRD4-independent group 4 enhancer GRCh37_chr1:237753258-237754457; plus strand). Cytogenetic location: 1q43.
Variant type: single nucleotide variant.
Coding change: c.4010A>G on transcript NM_001035.3 (MANE Select); coding-DNA position 4010, A replaced by G.
Protein change: p.Tyr1337Cys; replaces tyrosine 1337 with cysteine.
Molecular consequence: missense variant.
Genome position (GRCh38, 1-based): chr1:237,590,842, A>G. VCF-style: chr1-237590842-A-G. GRCh37 (hg19) VCF-style: chr1-237754142-A-G.
Other names: p.Y1337C:TAT>TGT; c.4010A>G, p.Tyr1337Cys (LRG_402t1); short protein forms Y1337C.
Identifiers: ClinVar variation 201243 (VCV000201243.23), dbSNP rs765369749, ClinGen allele CA009427.

ClinVar aggregate classification (germline): Uncertain significance. Review status: criteria provided, multiple submitters, no conflicts (2 of 4 stars). 6 submissions from 6 submitters: Uncertain significance (6). Last evaluated 2025-11-19.

Conditions:
Cardiovascular phenotype. Identifiers: MedGen CN230736.
Catecholaminergic polymorphic ventricular tachycardia (CVPT). Also called: Catecholamine-induced polymorphic ventricular tachycardia. Identifiers: Orphanet 3286, MedGen C5574922, MONDO:0017990.
Cardiomyopathy (CMYO). Also called: Cardiomyopathies. Identifiers: Orphanet 167848, MedGen C0878544, MONDO:0004994, HP:0001638. Inheritance: Various modes of inheritance.
Catecholaminergic polymorphic ventricular tachycardia 1. Also called: RYR2-Related Catecholaminergic Polymorphic Ventricular Tachycardia; VENTRICULAR TACHYCARDIA, CATECHOLAMINERGIC POLYMORPHIC, 1, WITH OR WITHOUT ATRIAL DYSFUNCTION AND/OR DILATED CARDIOMYOPATHY; VENTRICULAR TACHYCARDIA, STRESS-INDUCED POLYMORPHIC 1. Identifiers: Orphanet 3286, MedGen C1631597, MONDO:0011484, OMIM 604772.
Hypertrophic cardiomyopathy. Also called: HYPERTROPHIC MYOCARDIOPATHY. Identifiers: Orphanet 217569, MedGen C0007194, MeSH D002312, MONDO:0005045, HP:0001639.

Allele frequency attached by ClinVar (database versions not stated): gnomAD 0.00001; ExAC 0.00002; gnomAD exomes 0.00002; TOPMed 0.00002.
gnomAD v4.1: 30 of 1,613,706 alleles (0.0019%); highest among the groups gnomAD compares: Middle Eastern, 0.016%; no homozygotes.

Submissions (6):

Labcorp Genetics (formerly Invitae), Labcorp
Classification: Uncertain significance for Catecholaminergic polymorphic ventricular tachycardia 1. Last evaluated: 2025-11-19. Review status: criteria provided, single submitter. Criteria: Invitae Variant Classification Sherloc (09022015). Collection method: clinical testing. Allele origin: germline.
Comment: This sequence change replaces tyrosine, which is neutral and polar, with cysteine, which is neutral and slightly polar, at codon 1337 of the RYR2 protein (p.Tyr1337Cys). This variant is present in population databases (rs765369749, gnomAD 0.004%). This missense change has been observed in individual(s) with hypertrophic cardiomyopathy (PMID: 31513939). ClinVar contains an entry for this variant (Variation ID: 201243). Invitae Evidence Modeling of protein sequence and biophysical properties (such as structural, functional, and spatial information, amino acid conservation, physicochemical variation, residue mobility, and thermodynamic stability) indicates that this missense variant is not expected to disrupt RYR2 protein function with a negative predictive value of 95%. In summary, the available evidence is currently insufficient to determine the role of this variant in disease. Therefore, it has been classified as a Variant of Uncertain Significance.

Ambry Genetics
Classification: Uncertain significance for Cardiovascular phenotype. Last evaluated: 2025-05-07. Review status: criteria provided, single submitter. Criteria: Ambry Variant Classification Scheme 2023. Collection method: clinical testing. Allele origin: germline.
Comment: The p.Y1337C variant (also known as c.4010A>G), located in coding exon 31 of the RYR2 gene, results from an A to G substitution at nucleotide position 4010. The tyrosine at codon 1337 is replaced by cysteine, an amino acid with highly dissimilar properties. This amino acid position is not well conserved in available vertebrate species. In addition, the in silico prediction for this alteration is inconclusive. Based on the available evidence, the clinical significance of this variant remains unclear.

All of Us Research Program, National Institutes of Health
Classification: Uncertain significance for Catecholaminergic polymorphic ventricular tachycardia. Last evaluated: 2023-10-06. Review status: criteria provided, single submitter. Criteria: ACMG Guidelines, 2015. Collection method: clinical testing. Allele origin: germline. Inheritance: Autosomal dominant inheritance. Observed: 3 variant alleles, 3 heterozygotes.
Comment: This missense variant replaces tyrosine with cysteine at codon 1337 of the RYR2 protein. Computational prediction suggests that this variant may not impact protein structure and function (internally defined REVEL score threshold <= 0.5, PMID: 27666373). Splice site prediction tools suggest that this variant may not impact RNA splicing. To our knowledge, functional studies have not been performed for this variant. This variant has not been reported in individuals affected with cardiovascular disorders in the literature. This variant has been identified in 6/248922 chromosomes in the general population by the Genome Aggregation Database (gnomAD). The available evidence is insufficient to determine the role of this variant in disease conclusively. Therefore, this variant is classified as a Variant of Uncertain Significance.

This study involves interpretation of variants in research participants for the purpose of population health screening. Participant phenotype was not available at the time of variant classification. Additional details can be found in publication PMID: 35346344, PMCID: PMC8962531

Color Diagnostics, LLC DBA Color Health
Classification: Uncertain significance for Cardiomyopathy. Last evaluated: 2023-09-18. Review status: criteria provided, single submitter. Criteria: ACMG Guidelines, 2015. Collection method: clinical testing. Allele origin: germline.
Comment: This missense variant replaces tyrosine with cysteine at codon 1337 of the RYR2 protein. Computational prediction suggests that this variant may not impact protein structure and function (internally defined REVEL score threshold <= 0.5, PMID: 27666373). To our knowledge, functional studies have not been reported for this variant. This variant has been reported in an individual affected with hypertrophic cardiomyopathy (PMID: 31513939). This variant has been identified in 6/248922 chromosomes in the general population by the Genome Aggregation Database (gnomAD). The available evidence is insufficient to determine the role of this variant in disease conclusively. Therefore, this variant is classified as a Variant of Uncertain Significance.

GeneDx
Classification: Uncertain significance. Last evaluated: 2019-12-18. Review status: criteria provided, single submitter. Criteria: GeneDx Variant Classification Process June 2021. Collection method: clinical testing. Allele origin: germline. Affected: yes.
Comment: Has not been previously published as pathogenic or benign to our knowledge; Reported in ClinVar as a variant of uncertain significance but additional evidence is not available (ClinVar Variant ID# 201243; Landrum et al., 2016); In silico analysis, which includes protein predictors and evolutionary conservation, supports that this variant does not alter protein structure/function; Not located in one of the three hot-spot regions of the RYR2 gene, where the majority of pathogenic missense variants occur (Medeiros-Domingo et al., 2009); This variant is associated with the following publications: (PMID: 31513939)

Center for Human Genetics, University of Leuven
Classification: Uncertain significance for Hypertrophic cardiomyopathy. Last evaluated: 2018-10-31. Review status: criteria provided, single submitter. Criteria: ACMG Guidelines, 2015. Collection method: clinical testing. Allele origin: germline. Affected: yes.

Literature cited by the submitters: PubMed 31513939 (cited by Labcorp Genetics (formerly Invitae), Labcorp and Color Diagnostics, LLC DBA Color Health).